The following is an entry in ClinVar:

ClinVar aggregate classification (germline): Uncertain significance. Review status: criteria provided, multiple submitters, no conflicts (2 of 4 stars). 2 submissions from 2 submitters: Uncertain significance (2). Last evaluated 2025-01-01.

Conditions:
Ullrich congenital muscular dystrophy 2 (UCMD2). Identifiers: Orphanet 75840, MedGen C4225314, MONDO:0014654, OMIM 616470.
Bethlem myopathy 2 (BTHLM2). Identifiers: Orphanet 536516, Orphanet 610, MedGen C4225313, MONDO:0034022, OMIM 616471.

Allele frequency attached by ClinVar (database versions not stated): gnomAD exomes 0.00001; TOPMed 0.00001; gnomAD 0.00002.
gnomAD v4.1: 6 of 1,613,668 alleles (0.00037%); highest among the groups gnomAD compares: Admixed American, 0.0017%; no homozygotes.

Submissions (2):

CeGaT Center for Human Genetics Tuebingen
Classification: Uncertain significance. Last evaluated: 2025-01-01. Review status: criteria provided, single submitter. Criteria: CeGaT Center For Human Genetics Tuebingen Variant Classification Criteria Version 2. Collection method: clinical testing. Allele origin: germline. Affected: yes. Observed: 1 variant allele.
Comment: COL12A1: PM2, PP3

Labcorp Genetics (formerly Invitae), Labcorp
Classification: Uncertain significance for Bethlem myopathy 2; Ullrich congenital muscular dystrophy 2. Last evaluated: 2024-11-06. Review status: criteria provided, single submitter. Criteria: Invitae Variant Classification Sherloc (09022015). Collection method: clinical testing. Allele origin: germline.
Comment: This sequence change replaces serine, which is neutral and polar, with phenylalanine, which is neutral and non-polar, at codon 2900 of the COL12A1 protein (p.Ser2900Phe). This variant is not present in population databases (gnomAD no frequency). This variant has not been reported in the literature in individuals affected with COL12A1-related conditions. ClinVar contains an entry for this variant (Variation ID: 644863). An algorithm developed to predict the effect of missense changes on protein structure and function (PolyPhen-2) suggests that this variant is likely to be disruptive. In summary, the available evidence is currently insufficient to determine the role of this variant in disease. Therefore, it has been classified as a Variant of Uncertain Significance.

NM_004370.6(COL12A1):c.8699C>T (p.Ser2900Phe)

Gene: COL12A1 (collagen type XII alpha 1 chain; minus strand). Cytogenetic location: 6q13.
Variant type: single nucleotide variant.
Coding change: c.8699C>T on transcript NM_004370.6 (MANE Select); coding-DNA position 8699, C replaced by T.
Protein change: p.Ser2900Phe; replaces serine 2900 with phenylalanine.
Molecular consequence: missense variant.
Genome position (GRCh38, 1-based): chr6:75,091,376, G>A on the plus strand (C>T on the coding strand, the complement: COL12A1 is on the minus strand). VCF-style: chr6-75091376-G-A. GRCh37 (hg19) VCF-style: chr6-75801092-G-A.
Other names: c.5207C>T, p.Ser1736Phe (NM_080645.3); short protein forms S1736F, S2900F.
Identifiers: ClinVar variation 644863 (VCV000644863.24), dbSNP rs1198783904, ClinGen allele CA364735865.